The following is an entry in ClinVar:

ClinVar aggregate classification (germline): Uncertain significance (1 of 4 stars; one submission).

Submission:

CeGaT Center for Human Genetics Tuebingen
Classification: Uncertain significance. Last evaluated: 2026-07-01. Review status: criteria provided, single submitter. Criteria: CeGaT Center For Human Genetics Tuebingen Variant Classification Criteria Version 2. Collection method: clinical testing. Allele origin: germline. Affected: yes. Observed: 1 variant allele.
Comment: SETBP1: PM2, PVS1:Moderate

NM_015559.3(SETBP1):c.4691del (p.Pro1564fs)

Gene: SETBP1 (SET binding protein 1; plus strand). Cytogenetic location: 18q12.3.
Variant type: Deletion.
Coding change: c.4691del on transcript NM_015559.3 (MANE Select); coding-DNA position 4691, one base deleted (C; older notation c.4691delC).
Protein change: p.Pro1564fs; shifts the reading frame from proline 1564.
Molecular consequence: frameshift variant.
Genome position (GRCh38, 1-based): chr18:45,063,598, C deleted; the last of 5 consecutive C bases (chr18:45,063,594-45,063,598); deleting any one gives the same sequence. VCF-style (leftmost placement, unchanged base first): chr18-45063593-GC-G. GRCh37 (hg19) VCF-style: chr18-42643558-GC-G.
Other names: c.4691del, p.Pro1564fs (NM_001379141.1, NM_001379142.1); c.4520del, p.Pro1507fs (NM_001410862.1); short protein forms P1507fs, P1564fs.
Identifiers: ClinVar variation 5039925 (VCV005039925.1).
Genomic context (GRCh38, chr18:45,063,593, plus strand): 5'-CCCTCTACCCAAGACCCCCCGAGGCGGAAAGAGGAAACACAAACCGCAGGCCCCCGCTCA[GC>G]CCCCACAGCAGTCGCCCCCGCAGCAGCCCCTTCCCCAGGAAGAGGAGGTGAAAGCCAAAA-3'